The following is an entry in ClinVar:

ClinVar aggregate classification (germline): Pathogenic (1 of 4 stars; one submission).

Conditions:
Maple syrup urine disease (MSUD). Identifiers: Orphanet 511, MedGen C0024776, MeSH D008375, MONDO:0009563. Disease mechanism: loss of function.

gnomAD v4.1: 1 of 1,602,610 alleles (0.000062%); highest among the groups gnomAD compares: Non-Finnish European, 0.000085%; no homozygotes.

Submission:

Labcorp Genetics (formerly Invitae), Labcorp
Classification: Pathogenic for Maple syrup urine disease. Last evaluated: 2020-05-08. Review status: criteria provided, single submitter. Criteria: Invitae Variant Classification Sherloc (09022015). Collection method: clinical testing. Allele origin: germline.
Comment: This sequence change replaces glycine with arginine at codon 66 of the BCKDHB protein (p.Gly66Arg). The glycine residue is moderately conserved and there is a moderate physicochemical difference between glycine and arginine. This variant also falls at the last nucleotide of exon 1 of the BCKDHB coding sequence, which is part of the consensus splice site for this exon. This variant is not present in population databases (ExAC no frequency). For these reasons, this variant has been classified as Pathogenic. This variant disrupts the c.196 nucleotide in the BCKDHB gene. Other variant(s) that disrupt this nucleotide have been determined to be pathogenic (PMID: 30228974, Invitae). This suggests that this nucleotide is clinically-significant, and that variants that disrupt this position are likely to be disease-causing. Nucleotide substitutions within the consensus splice site are a relatively common cause of aberrant splicing (PMID: 17576681, 9536098). Algorithms developed to predict the effect of sequence changes on RNA splicing suggest that this variant may disrupt the consensus splice site, but this prediction has not been confirmed by published transcriptional studies. Algorithms developed to predict the effect of missense changes on protein structure and function (SIFT, PolyPhen-2, Align-GVGD) all suggest that this variant is likely to be tolerated, but these predictions have not been confirmed by published functional studies and their clinical significance is uncertain. A different nucleotide substitution (c.197G>C) leading to this missense change (p.Gly66Arg) has been observed in individuals with maple syrup urine disease (PMID: 28417071).

Literature cited by the submitters: PubMed 30228974; PubMed 17576681; PubMed 9536098; PubMed 28417071.

NM_183050.4(BCKDHB):c.196G>A (p.Gly66Arg)

Gene: BCKDHB (branched chain keto acid dehydrogenase E1 subunit beta; plus strand). Cytogenetic location: 6q14.1.
Variant type: single nucleotide variant.
Coding change: c.196G>A on transcript NM_183050.4 (MANE Select); coding-DNA position 196, G replaced by A.
Protein change: p.Gly66Arg; replaces glycine 66 with arginine.
Molecular consequence: missense variant. On other transcripts: non-coding transcript variant (1), intron variant (1).
Genome position (GRCh38, 1-based): chr6:80,106,889, G>A. VCF-style: chr6-80106889-G-A. GRCh37 (hg19) VCF-style: chr6-80816606-G-A.
Other names: c.196G>A, p.Gly66Arg (NM_000056.5); c.-15+206G>A (NM_001318975.1); short protein forms G66R.
Identifiers: ClinVar variation 1069097 (VCV001069097.9), dbSNP rs1328608014, ClinGen allele CA364658456.